The following is an entry in ClinVar:

ClinVar aggregate classification (germline): Uncertain significance. Review status: criteria provided, multiple submitters, no conflicts (2 of 4 stars). 2 submissions from 2 submitters: Uncertain significance (2). Last evaluated 2022-05-04.

Submissions (2):

Mendelics
Classification: Uncertain significance. Last evaluated: 2022-05-04. Review status: criteria provided, single submitter. Criteria: Mendelics Assertion Criteria 2019. Collection method: clinical testing. Allele origin: germline.

GeneDx
Classification: Uncertain significance. Last evaluated: 2017-07-13. Review status: criteria provided, single submitter. Criteria: GeneDx Variant Classification (06012015). Collection method: clinical testing. Allele origin: germline. Affected: yes.
Comment: The R269G variant in the ZDHHC9 gene has not been reported previously as a pathogenic variant, nor as a benign variant, to our knowledge. The R269G variant is not observed in large population cohorts (Lek et al., 2016; 1000 Genomes Consortium et al., 2015; Exome Variant Server). The R269G variant is a non-conservative amino acid substitution, which is likely to impact secondary protein structure as these residues differ in polarity, charge, size and/or other properties. This substitution occurs at a position that is conserved across species. In silico analysis is inconsistent in its predictions as to whether or not the variant is damaging to the protein structure/function. We interpret R269G as a variant of uncertain significance.

NM_016032.4(ZDHHC9):c.805C>G (p.Arg269Gly)

Gene: ZDHHC9 (zinc finger DHHC-type palmitoyltransferase 9; minus strand). Cytogenetic location: Xq26.1.
Variant type: single nucleotide variant.
Coding change: c.805C>G on transcript NM_016032.4 (MANE Select); coding-DNA position 805, C replaced by G.
Protein change: p.Arg269Gly; replaces arginine 269 with glycine.
Molecular consequence: missense variant.
Genome position (GRCh38, 1-based): chrX:129,811,482, G>C on the plus strand (C>G on the coding strand, the complement: ZDHHC9 is on the minus strand). VCF-style: chrX-129811482-G-C. GRCh37 (hg19) VCF-style: chrX-128945458-G-C.
Other names: c.805C>G, p.Arg269Gly (NM_001008222.3); short protein forms R269G.
Identifiers: ClinVar variation 450383 (VCV000450383.3), dbSNP rs969303226, ClinGen allele CA335095394.